The following is an entry in ClinVar:

ClinVar aggregate classification (germline): Uncertain significance (1 of 4 stars; one submission).

Submission:

GeneDx
Classification: Uncertain significance. Last evaluated: 2025-07-03. Review status: criteria provided, single submitter. Criteria: GeneDx Variant Classification Process June 2021. Collection method: clinical testing. Allele origin: germline. Affected: yes.
Comment: Not observed at significant frequency in large population cohorts (gnomAD); In silico analysis supports that this missense variant has a deleterious effect on protein structure/function; Has not been previously published as pathogenic or benign to our knowledge

NM_000257.4(MYH7):c.236A>C (p.Gln79Pro)

Gene: MYH7 (myosin heavy chain 7; minus strand). Cytogenetic location: 14q11.2.
Variant type: single nucleotide variant.
Coding change: c.236A>C on transcript NM_000257.4 (MANE Select); coding-DNA position 236, A replaced by C.
Protein change: p.Gln79Pro; replaces glutamine 79 with proline.
Molecular consequence: missense variant.
Genome position (GRCh38, 1-based): chr14:23,433,193, T>G on the plus strand (A>C on the coding strand, the complement: MYH7 is on the minus strand). VCF-style: chr14-23433193-T-G. GRCh37 (hg19) VCF-style: chr14-23902402-T-G.
Other names: c.236A>C, p.Gln79Pro (NM_001407004.1); short protein forms Q79P.
Identifiers: ClinVar variation 4681028 (VCV004681028.1).